The following is an entry in ClinVar:

ClinVar aggregate classification (germline): Uncertain significance (1 of 4 stars; one submission).

Conditions:
Eichsfeld type congenital muscular dystrophy (CMYO3). Also called: Rigid spine muscular dystrophy 1; MYOPATHY, SEPN1-RELATED; SELENON-related myopathy; Congenital myopathy 3 with rigid spine. Identifiers: MedGen C0410180, MONDO:0100100, OMIM 602771.

Submission:

Labcorp Genetics (formerly Invitae), Labcorp
Classification: Uncertain significance for Eichsfeld type congenital muscular dystrophy. Last evaluated: 2018-09-19. Review status: criteria provided, single submitter. Criteria: Invitae Variant Classification Sherloc (09022015). Collection method: clinical testing. Allele origin: germline.
Comment: This sequence change falls in intron 2 of the SELENON gene. It does not directly change the encoded amino acid sequence of the SELENON protein, but it affects a nucleotide within the consensus splice site of the intron. The frequency data for this variant in the population databases is considered unreliable, as metrics indicate insufficient coverage at this position in the ExAC database. This variant has not been reported in the literature in individuals with SELENON-related disease. Nucleotide substitutions within the consensus splice site are a relatively common cause of aberrant splicing (PMID: 17576681, 9536098). Algorithms developed to predict the effect of sequence changes on RNA splicing suggest that this variant may disrupt the consensus splice site, but this prediction has not been confirmed by published transcriptional studies. In summary, the available evidence is currently insufficient to determine the role of this variant in disease. Therefore, it has been classified as a Variant of Uncertain Significance.

NM_206926.2(SELENON):c.301+853C>G

Gene: SELENON (selenoprotein N; plus strand). Cytogenetic location: 1p36.11.
Variant type: single nucleotide variant.
Coding change: c.301+853C>G on transcript NM_206926.2 (MANE Select); 853 bases into the intron after coding-DNA position 301, C replaced by G.
Molecular consequence: intron variant.
Genome position (GRCh38, 1-based): chr1:25,802,013, C>G. VCF-style: chr1-25802013-C-G. GRCh37 (hg19) VCF-style: chr1-26128504-C-G.
Other names: c.302-3C>G (NM_020451.3).
Identifiers: ClinVar variation 644963 (VCV000644963.1), dbSNP rs1327559756, ClinGen allele CA915941179.
Genomic context (GRCh38, chr1:25,802,013, plus strand): 5'-GACGAATATGCAGTAGATTTCCAATAGACAGCAGCTATAACTTTTTTTTTTTTTTTGAGA[C>G]AGGGTCTTGTTCTGTCACCCAGACTGGAGTGCAGTGGTGCAGTCACAGCTCACTGCAGCC-3'